The following is an entry in ClinVar:

ClinVar aggregate classification (germline): Uncertain significance. Review status: criteria provided, multiple submitters, no conflicts (2 of 4 stars). 2 submissions from 2 submitters: Uncertain significance (2). Last evaluated 2025-08-28.

Conditions:
Inborn genetic diseases. Identifiers: MedGen C0950123, MeSH D030342.

Allele frequency attached by ClinVar (database versions not stated): TOPMed below 0.00001.
gnomAD v4.1: 19 of 1,613,686 alleles (0.0012%); highest among the groups gnomAD compares: South Asian, 0.0055%; no homozygotes.

Submissions (2):

Ambry Genetics
Classification: Uncertain significance for Inborn genetic diseases. Last evaluated: 2025-08-28. Review status: criteria provided, single submitter. Criteria: Ambry Variant Classification Scheme 2023. Collection method: clinical testing. Allele origin: germline.

Labcorp Genetics (formerly Invitae), Labcorp
Classification: Uncertain significance. Last evaluated: 2022-11-22. Review status: criteria provided, single submitter. Criteria: Invitae Variant Classification Sherloc (09022015). Collection method: clinical testing. Allele origin: germline.
Comment: In summary, the available evidence is currently insufficient to determine the role of this variant in disease. Therefore, it has been classified as a Variant of Uncertain Significance. Algorithms developed to predict the effect of missense changes on protein structure and function are either unavailable or do not agree on the potential impact of this missense change (SIFT: "Deleterious"; PolyPhen-2: "Probably Damaging"; Align-GVGD: "Class C0"). This variant has not been reported in the literature in individuals affected with COL13A1-related conditions. This variant is present in population databases (rs752335051, gnomAD 0.01%). This sequence change replaces arginine, which is basic and polar, with glycine, which is neutral and non-polar, at codon 458 of the COL13A1 protein (p.Arg458Gly).

NM_001368882.1(COL13A1):c.1405C>G (p.Arg469Gly)

Gene: COL13A1 (collagen type XIII alpha 1 chain; plus strand). Cytogenetic location: 10q22.1.
Variant type: single nucleotide variant.
Coding change: c.1405C>G on transcript NM_001368882.1 (MANE Select); coding-DNA position 1405, C replaced by G.
Protein change: p.Arg469Gly; replaces arginine 469 with glycine.
Molecular consequence: missense variant.
Genome position (GRCh38, 1-based): chr10:69,927,093, C>G. VCF-style: chr10-69927093-C-G. GRCh37 (hg19) VCF-style: chr10-71686849-C-G.
Other names: c.1372C>G (NM_001130103.1); c.1372C>G, p.Arg458Gly (NM_001130103.2); c.1342C>G, p.Arg448Gly (NM_001320951.2, NM_001368884.1); c.1369C>G, p.Arg457Gly (NM_001368883.1); c.1306C>G, p.Arg436Gly (NM_001368885.1, NM_080801.4, NM_080802.4); c.742C>G, p.Arg248Gly (NM_001368886.1); c.1315C>G, p.Arg439Gly (NM_001368895.1, NM_080800.4); c.1201C>G, p.Arg401Gly (NM_001368896.1, NM_001368898.1, NM_080798.4); and 2 more; short protein forms R407G, R439G, R458G, R248G, R436G, R448G, R469G, R401G.
Identifiers: ClinVar variation 2169817 (VCV002169817.5), dbSNP rs752335051, ClinGen allele CA5534736.